The following is an entry in ClinVar:

NM_000290.4(PGAM2):c.505G>A (p.Glu169Lys)

Genes: DBNL (drebrin like; plus strand), PGAM2 (phosphoglycerate mutase 2; minus strand), LOC129998341 (ATAC-STARR-seq lymphoblastoid active region 25924; plus strand). Cytogenetic location: 7p13.
Variant type: single nucleotide variant.
Coding change: c.505G>A on transcript NM_000290.4 (MANE Select); coding-DNA position 505, G replaced by A.
Protein change: p.Glu169Lys; replaces glutamic acid 169 with lysine.
Molecular consequence: missense variant. On other transcripts: 3 prime UTR variant (6).
Genome position (GRCh38, 1-based): chr7:44,064,922, C>T on the plus strand (G>A on the coding strand, the complement: PGAM2 is on the minus strand). VCF-style: chr7-44064922-C-T. GRCh37 (hg19) VCF-style: chr7-44104521-C-T.
Other names: c.*4006C>T (NM_001014436.3, NM_001122956.2, NM_001284313.2 and 3 more transcripts); short protein forms E169K.
Identifiers: ClinVar variation 2184369 (VCV002184369.1), dbSNP rs758149782, ClinGen allele CA4236554.

ClinVar aggregate classification (germline): Uncertain significance (1 of 4 stars; one submission).

Conditions:
Glycogen storage disease type X (GSD10). Also called: Glycogen storage disease due to phosphoglycerate mutase deficiency; PGAMM DEFICIENCY; PHOSPHOGLYCERATE MUTASE, MUSCLE, DEFICIENCY OF; Dimauro disease; GSD X; MYOPATHY DUE TO PHOSPHOGLYCERATE MUTASE DEFICIENCY. Identifiers: Orphanet 97234, MedGen C0268149, MONDO:0009865, OMIM 261670.

Allele frequency attached by ClinVar (database versions not stated): ExAC 0.00001; TOPMed 0.00001.
gnomAD v4.1: 16 of 1,611,030 alleles (0.00099%); highest among the groups gnomAD compares: Admixed American, 0.0017%; no homozygotes.

Submission:

Labcorp Genetics (formerly Invitae), Labcorp
Classification: Uncertain significance for Glycogen storage disease type X. Last evaluated: 2022-07-17. Review status: criteria provided, single submitter. Criteria: Invitae Variant Classification Sherloc (09022015). Collection method: clinical testing. Allele origin: germline.
Comment: This sequence change replaces glutamic acid, which is acidic and polar, with lysine, which is basic and polar, at codon 169 of the PGAM2 protein (p.Glu169Lys). This variant is present in population databases (rs758149782, gnomAD 0.0009%). This variant has not been reported in the literature in individuals affected with PGAM2-related conditions. Algorithms developed to predict the effect of missense changes on protein structure and function are either unavailable or do not agree on the potential impact of this missense change (SIFT: "Deleterious"; PolyPhen-2: "Benign"; Align-GVGD: "Class C15"). In summary, the available evidence is currently insufficient to determine the role of this variant in disease. Therefore, it has been classified as a Variant of Uncertain Significance.